The following is an entry in ClinVar:

ClinVar aggregate classification (germline): Conflicting classifications of pathogenicity. Review status: criteria provided, conflicting classifications (1 of 4 stars). 12 submissions from 12 submitters: Pathogenic (6); Likely pathogenic (3); Uncertain significance (3). Last evaluated 2026-07-23.

Conditions:
OTOA-related disorder. Also called: OTOA-related condition.
Rare genetic deafness. Identifiers: Orphanet 96210, MedGen C5680250.
Autosomal recessive nonsyndromic hearing loss 22. Identifiers: Orphanet 90636, MedGen C1846896, MONDO:0011762, OMIM 607039.

Allele frequency attached by ClinVar (database versions not stated): ExAC 0.00122; gnomAD 0.00927 and 0.01038; 1000 Genomes Project 30x 0.06168.
gnomAD v4.1: 5,487 of 1,567,004 alleles (0.35%); highest among the groups gnomAD compares: East Asian, 12%; no homozygotes.

Submissions (12):

PreventionGenetics, part of Exact Sciences
Classification: Pathogenic for OTOA-related condition. Last evaluated: 2026-07-23. Review status: criteria provided, single submitter. Criteria: ACMG Guidelines, 2015. Collection method: clinical testing. Allele origin: germline.
Comment: The OTOA c.2359G>T variant is predicted to result in premature protein termination (p.Glu787*). This variant in exon 22 corresponds to the premature stop codon of the partial OTOA pseudogene that has paralogy to OTOA exons 21 to 29. This variant was reported in the homozygous state in a patient with hearing loss (Table S1, van Beeck Calkoen et al. 2019. PubMed ID: 31152317), in the heterozygous state along with c.2353A>C (p.Thr785Pro) (also a known pseudogene variant) in several patients with unilateral auditory neuropathy (Table S8, Song et al. 2021. PubMed ID: 34175691), and in the heterozygous state without a second potentially causative variant in several patients with hearing loss (Liu et al. 2022. PubMed ID: 35114279). However, the location of this variant in the functional gene was not confirmed in any of these studies. This variant is reported in 1.0% of alleles in individuals of East Asian descent in gnomAD, although NGS based data may be unreliable due to sequence paralogy. Nonsense variants in OTOA are expected to be pathogenic. This variant is interpreted as pathogenic.

Dasa
Classification: Pathogenic. Last evaluated: 2026-04-14. Review status: criteria provided, single submitter. Criteria: DASA Assertion Criteria. Collection method: clinical testing. Allele origin: germline.
Comment: NM_144672.4(OTOA):c.2359G>T (p.Glu787*) introduces a premature termination codon predicted to result in loss of normal protein function. Loss-of-function is an established mechanism of disease for this gene. This variant has been recurrently observed in individuals with related phenotype (PMID: 33492714; PMID: 36147510). Segregation evidence has been reported in affected families. The variant is present at low frequency in population datasets. Based on the available data, this variant is classified as pathogenic.

Blueprint Genetics
Classification: Likely pathogenic for OTOA-related disorders. Last evaluated: 2024-11-27. Review status: criteria provided, single submitter. Criteria: ACMG Guidelines, 2015. Collection method: clinical testing. Allele origin: germline. Affected: yes. Observed: 5 variant alleles.

Department of Pathology and Laboratory Medicine, Sinai Health System
Classification: Likely pathogenic for Autosomal recessive nonsyndromic hearing loss 22. Last evaluated: 2023-10-25. Review status: criteria provided, single submitter. Criteria: ACMG Guidelines, 2015. Collection method: research. Allele origin: germline.

Women's Health and Genetics/Laboratory Corporation of America, LabCorp
Classification: Pathogenic for Autosomal recessive nonsyndromic hearing loss 22. Last evaluated: 2023-09-26. Review status: criteria provided, single submitter. Criteria: LabCorp Variant Classification Summary - May 2015. Collection method: clinical testing. Allele origin: germline.
Comment: Variant summary: OTOA c.2359G>T (p.Glu787X) results in a premature termination codon, predicted to cause absence of the protein due to nonsense mediated decay, which is a commonly known mechanism for disease. The variant allele was found at a frequency of 0.00031 in 243820 control chromosomes (gnomAD). c.2359G>T has been reported in the literature in multiple individuals affected with Autosomal Recessive Nonsyndromic Hearing Loss or unilateral auditory neuropathy (van Beeck Calkoen_2019, Song_2021). These data indicate that the variant is very likely to be associated with disease. The following publications have been ascertained in the context of this evaluation (PMID: 34175691, 31152317). Six submitters have cited clinical-significance assessments for this variant to ClinVar after 2014, and classified it as pathogenic/likely pathogenic (n=3) or uncertain significance (n=3). Based on the evidence outlined above, the variant was classified as pathogenic.

Laboratory for Molecular Medicine, Mass General Brigham Personalized Medicine
Classification: Pathogenic for Rare genetic deafness. Last evaluated: 2022-06-30. Review status: criteria provided, single submitter. Criteria: ACMG Guidelines, 2015. Collection method: clinical testing. Allele origin: germline. Inheritance: Autosomal recessive inheritance.
Comment: The c.2359G>T, p.Glu787X variant in OTOA is a nonsense variant leads to a premature termination codon at position 787, which is predicted to lead to a truncated or absent protein. Of note, the OTOA gene has a pseudogene (OTOAP1, loc653786) that contains this nucleotide variant as the reference base (GrCH37 chr16:22563762) in humans. As such, the p.Glu787X variant requires long range PCR to determine whether the variant exists in the OTOA or OTOAP1 gene. Furthermore, the variant has been previously reported in 2 individual with hearing loss who carried a second pathogenic variang in OTOA, and in the heterozygous state in 1 healthy individual (Gao 2013 PMID: 23690975, Lindor 2015 PMID: 26434960, Laurent 2021 PMID: 33492714); one of the studies performed long range PCR to confirm the presence of the variant in the gene. This variant has also been reported in 1% (165/16068) of East Asian chromosomes by gnomAD; however, it failed the sequencing quality metric filter in this database and thus contamination from the pseudogene cannot be ruled out for those individuals. As such, the population frequency of this variant is unknown. Loss of function of the OTOA gene is an established disease mechanism in autosomal recessive hearing loss. In summary, although additional studies are required to fully establish its clinical significance, this variant meets criteria to be classified as pathogenic for autosomal recessive hearing loss, provided that it is confirmed to be present in the OTOA gene and not the OTOAP1 pseudogene. ACMG/AMP Criteria applied: PVS1, PM3_S.

Equipe Genetique des Anomalies du Developpement, Université de Bourgogne
Classification: Pathogenic for Autosomal recessive nonsyndromic hearing loss 22. Last evaluated: 2021-10-28. Review status: criteria provided, single submitter. Criteria: ACMG Guidelines, 2015. Collection method: clinical testing. Allele origin: biparental. Affected: yes.

Dubai Health Genomic Medicine Center, Dubai Health
Classification: Pathogenic for Autosomal recessive nonsyndromic hearing loss 22. Last evaluated: 2021-01-25. Review status: criteria provided, single submitter. Criteria: ACMG Guidelines, 2015. Collection method: clinical testing. Allele origin: germline. Affected: yes.
Comment: This is a nonsense variant and classified pathogenic by LMM. However it sits in a pseudogene regions and we didn't do long range PCR to confirm the if this variant is on the true gene or not.

Genomic Research Center, Shahid Beheshti University of Medical Sciences
Classification: Uncertain significance. Last evaluated: 2020-05-03. Review status: criteria provided, single submitter. Criteria: ACMG Guidelines, 2015. Collection method: clinical testing. Allele origin: unknown. Affected: no.

Fulgent Genetics
Classification: Uncertain significance for Autosomal recessive nonsyndromic hearing loss 22. Last evaluated: 2018-10-31. Review status: criteria provided, single submitter. Criteria: ACMG Guidelines, 2015. Collection method: clinical testing. Allele origin: unknown.

Genomic Diagnostic Laboratory, Division of Genomic Diagnostics, Children's Hospital of Philadelphia
Classification: Uncertain significance. Last evaluated: 2015-05-05. Review status: criteria provided, single submitter. Criteria: DGD Variant Analysis Guidelines. Collection method: clinical testing. Allele origin: unknown.

Neuberg Centre For Genomic Medicine, NCGM
Classification: Likely pathogenic for Autosomal recessive nonsyndromic hearing loss 22. Review status: criteria provided, single submitter. Criteria: ACMG Guidelines, 2015. Collection method: clinical testing. Allele origin: germline. Affected: yes.
Comment: The stop gained p.E787* in OTOA (NM_144672.4) has been previously reported in affected individuals (Lindor et al, 2015). The variant is present in OTOP which overlaps with a pseudogene and hence currently without confirmation via long rage PCR and sanger it is not possible to predict if the variant arises from the gene or pseudogene. The variant is present in gnomAD database but has been flagged as having low sequencing quality and may not represent true frequency. The variant has been submitted to ClinVar as Likey Pathogenic/ Uncertain significance. If confirmed to be present in the gene OTOA, it is predicted to cause protein truncation. Loss of function variants have been previousy reported to be disease causing. For these reasons, this variant has been classified as Likely Pathogenic.

Literature cited by the submitters: PubMed 33492714 (cited by Dasa and Laboratory for Molecular Medicine, Mass General Brigham Personalized Medicine); PubMed 36147510 (cited by Dasa); PubMed 31152317 (cited by Women's Health and Genetics/Laboratory Corporation of America, LabCorp and Laboratory for Molecular Medicine, Mass General Brigham Personalized Medicine); PubMed 34175691 (cited by Women's Health and Genetics/Laboratory Corporation of America, LabCorp); PubMed 26434960 (cited by Laboratory for Molecular Medicine, Mass General Brigham Personalized Medicine); PubMed 23690975 (cited by Laboratory for Molecular Medicine, Mass General Brigham Personalized Medicine); PubMed 31028847 (cited by Laboratory for Molecular Medicine, Mass General Brigham Personalized Medicine).

NM_144672.4(OTOA):c.2359G>T (p.Glu787Ter)

Gene: OTOA (otoancorin). Cytogenetic location: 16p12.2.
Variant type: single nucleotide variant.
Coding change: c.2359G>T on transcript NM_144672.4 (MANE Select); coding-DNA position 2359, G replaced by T.
Protein change: p.Glu787Ter; replaces glutamic acid 787 with a stop codon.
Molecular consequence: nonsense.
Genome position (GRCh38, 1-based): chr16:21,736,318, G>T. VCF-style: chr16-21736318-G-T. GRCh37 (hg19) VCF-style: chr16-21747639-G-T.
Other names: p.Glu787X; c.2122G>T, p.Glu708Ter (NM_001161683.2); c.1387G>T, p.Glu463Ter (NM_170664.3); c.[2359G>T] (NM_144672.3); short protein forms E787*, E463*, E708*.
Identifiers: ClinVar variation 218841 (VCV000218841.21), dbSNP rs200988634, ClinGen allele CA249153.